The following is an entry in ClinVar:

NM_004974.4(KCNA2):c.1372T>C (p.Tyr458His)

Gene: KCNA2 (potassium voltage-gated channel subfamily A member 2; minus strand). Cytogenetic location: 1p13.3.
Variant type: single nucleotide variant.
Coding change: c.1372T>C on transcript NM_004974.4 (MANE Select); coding-DNA position 1372, T replaced by C.
Protein change: p.Tyr458His; replaces tyrosine 458 with histidine.
Molecular consequence: missense variant. On other transcripts: intron variant (1).
Genome position (GRCh38, 1-based): chr1:110,603,411, A>G on the plus strand (T>C on the coding strand, the complement: KCNA2 is on the minus strand). VCF-style: chr1-110603411-A-G. GRCh37 (hg19) VCF-style: chr1-111146033-A-G.
Other names: c.894+478T>C (NM_001204269.2); short protein forms Y458H.
Identifiers: ClinVar variation 1016870 (VCV001016870.9), dbSNP rs1649446402, ClinGen allele CA341600622.

ClinVar aggregate classification (germline): Uncertain significance (1 of 4 stars; one submission).

Conditions:
Developmental and epileptic encephalopathy, 32 (DEE32). Also called: Epileptic encephalopathy, early infantile, 32. Identifiers: Orphanet 442835, MedGen C4225350, MONDO:0014607, OMIM 616366.

Submission:

Labcorp Genetics (formerly Invitae), Labcorp
Classification: Uncertain significance for Developmental and epileptic encephalopathy, 32. Last evaluated: 2020-08-02. Review status: criteria provided, single submitter. Criteria: Invitae Variant Classification Sherloc (09022015). Collection method: clinical testing. Allele origin: germline.
Comment: This variant has not been reported in the literature in individuals with KCNA2-related conditions. This variant is not present in population databases (ExAC no frequency). This sequence change replaces tyrosine with histidine at codon 458 of the KCNA2 protein (p.Tyr458His). The tyrosine residue is highly conserved and there is a moderate physicochemical difference between tyrosine and histidine. In summary, the available evidence is currently insufficient to determine the role of this variant in disease. Therefore, it has been classified as a Variant of Uncertain Significance. Advanced modeling of protein sequence and biophysical properties (such as structural, functional, and spatial information, amino acid conservation, physicochemical variation, residue mobility, and thermodynamic stability) performed at Invitae indicates that this missense variant is not expected to disrupt KCNA2 protein function.